The following is an entry in ClinVar:

ClinVar aggregate classification (germline): Uncertain significance (1 of 4 stars; one submission).

gnomAD v4.1: 2 of 1,614,006 alleles (0.00012%); highest among the groups gnomAD compares: Non-Finnish European, 0.00017%; no homozygotes.

Submission:

Labcorp Genetics (formerly Invitae), Labcorp
Classification: Uncertain significance. Last evaluated: 2021-04-17. Review status: criteria provided, single submitter. Criteria: Invitae Variant Classification Sherloc (09022015). Collection method: clinical testing. Allele origin: germline.
Comment: In summary, the available evidence is currently insufficient to determine the role of this variant in disease. Therefore, it has been classified as a Variant of Uncertain Significance. Algorithms developed to predict the effect of sequence changes on RNA splicing suggest that this variant may create or strengthen a splice site, but this prediction has not been confirmed by published transcriptional studies. Algorithms developed to predict the effect of missense changes on protein structure and function (SIFT, PolyPhen-2, Align-GVGD) all suggest that this variant is likely to be disruptive, but these predictions have not been confirmed by published functional studies and their clinical significance is uncertain. This variant has not been reported in the literature in individuals with COL9A1-related conditions. This variant is not present in population databases (ExAC no frequency). This sequence change replaces glycine with valine at codon 502 of the COL9A1 protein (p.Gly502Val). The glycine residue is highly conserved and there is a moderate physicochemical difference between glycine and valine.

NM_001851.6(COL9A1):c.1505G>T (p.Gly502Val)

Gene: COL9A1 (collagen type IX alpha 1 chain; minus strand). Cytogenetic location: 6q13.
Variant type: single nucleotide variant.
Coding change: c.1505G>T on transcript NM_001851.6 (MANE Select); coding-DNA position 1505, G replaced by T.
Protein change: p.Gly502Val; replaces glycine 502 with valine.
Molecular consequence: missense variant. On other transcripts: non-coding transcript variant (1).
Genome position (GRCh38, 1-based): chr6:70,255,389, C>A on the plus strand (G>T on the coding strand, the complement: COL9A1 is on the minus strand). VCF-style: chr6-70255389-C-A. GRCh37 (hg19) VCF-style: chr6-70965092-C-A.
Other names: c.776G>T, p.Gly259Val (NM_001377289.1, NM_001377290.1, NM_078485.4); short protein forms G259V, G502V.
Identifiers: ClinVar variation 1388357 (VCV001388357.8), dbSNP rs376101677, ClinGen allele CA364678041.